The following is an entry in ClinVar:

ClinVar aggregate classification (germline): Benign. Review status: criteria provided, multiple submitters, no conflicts (2 of 4 stars). 3 submissions from 3 submitters: Benign (2). 1 of the submissions does not count toward it. Last evaluated 2021-06-09.

Allele frequency attached by ClinVar (database versions not stated): gnomAD 0.17298 and 0.17617; 1000 Genomes Project 30x 0.10915; 1000 Genomes Project 0.10863; TOPMed 0.16040; gnomAD exomes 0.24567 and 0.20441; ExAC 0.41932.

Submissions (3):

GeneDx
Classification: Benign. Last evaluated: 2021-06-09. Review status: criteria provided, single submitter. Criteria: GeneDx Variant Classification Process June 2021. Collection method: clinical testing. Allele origin: germline. Affected: yes.

Breakthrough Genomics
Classification: Benign. Review status: criteria provided, single submitter. Criteria: ACMG Guidelines, 2015. Collection method: not provided. Allele origin: germline. Inheritance: Autosomal recessive inheritance. Affected: yes.

Genetic Services Laboratory, University of Chicago
Classification: Likely benign for AllHighlyPenetrant. Review status: no assertion criteria provided. Collection method: clinical testing. Allele origin: germline. Inheritance: Autosomal recessive inheritance. Not counted in ClinVar's aggregate classification.
Comment: Likely benign based on allele frequency in 1000 Genomes Project or ESP global frequency and its presence in a patient with a rare or unrelated disease phenotype. NOT Sanger confirmed.

NM_018344.5(SLC29A3):c.-63C>T

Genes: SLC29A3 (solute carrier family 29 member 3; plus strand), LOC130004025 (ATAC-STARR-seq lymphoblastoid silent region 2461; plus strand). Cytogenetic location: 10q22.1.
Variant type: single nucleotide variant.
Coding change: c.-63C>T on transcript NM_018344.5; 63 bases upstream of the start codon, C replaced by T.
Genome position (GRCh38, 1-based): chr10:71,319,247, C>T. VCF-style: chr10-71319247-C-T. GRCh37 (hg19) VCF-style: chr10-73079004-C-T.
Identifiers: ClinVar variation 130334 (VCV000130334.13), dbSNP rs72542481, ClinGen allele CA155229.